The following is an entry in ClinVar:

NM_001286577.2(C2CD3):c.2514C>A (p.Ser838Arg)

Gene: C2CD3 (C2 domain containing 3 centriole elongation regulator; minus strand). Cytogenetic location: 11q13.4.
Variant type: single nucleotide variant.
Coding change: c.2514C>A on transcript NM_001286577.2 (MANE Select); coding-DNA position 2514, C replaced by A.
Protein change: p.Ser838Arg; replaces serine 838 with arginine.
Molecular consequence: missense variant.
Genome position (GRCh38, 1-based): chr11:74,103,197, G>T on the plus strand (C>A on the coding strand, the complement: C2CD3 is on the minus strand). VCF-style: chr11-74103197-G-T. GRCh37 (hg19) VCF-style: chr11-73814242-G-T.
Other names: c.2514C>A, p.Ser838Arg (NM_015531.6); c.2514C>A (NM_015531.4); short protein forms S838R.
Identifiers: ClinVar variation 2130434 (VCV002130434.6), dbSNP rs749379470, ClinGen allele CA6182632.

ClinVar aggregate classification (germline): Uncertain significance. Review status: criteria provided, multiple submitters, no conflicts (2 of 4 stars). 2 submissions from 2 submitters: Uncertain significance (2). Last evaluated 2023-05-09.

Conditions:
Inborn genetic diseases. Identifiers: MedGen C0950123, MeSH D030342.

Allele frequency attached by ClinVar (database versions not stated): gnomAD 0.00001; ExAC 0.00002; TOPMed 0.00002.
gnomAD v4.1: 10 of 1,613,984 alleles (0.00062%); highest among the groups gnomAD compares: East Asian, 0.022%; no homozygotes.

Submissions (2):

Ambry Genetics
Classification: Uncertain significance for Inborn genetic diseases. Last evaluated: 2023-05-09. Review status: criteria provided, single submitter. Criteria: Ambry Variant Classification Scheme 2023. Collection method: clinical testing. Allele origin: germline.

Labcorp Genetics (formerly Invitae), Labcorp
Classification: Uncertain significance. Last evaluated: 2022-05-06. Review status: criteria provided, single submitter. Criteria: Invitae Variant Classification Sherloc (09022015). Collection method: clinical testing. Allele origin: germline.
Comment: In summary, the available evidence is currently insufficient to determine the role of this variant in disease. Therefore, it has been classified as a Variant of Uncertain Significance. Algorithms developed to predict the effect of missense changes on protein structure and function (SIFT, PolyPhen-2, Align-GVGD) all suggest that this variant is likely to be tolerated. This variant has not been reported in the literature in individuals affected with C2CD3-related conditions. This variant is present in population databases (rs749379470, gnomAD 0.03%). This sequence change replaces serine, which is neutral and polar, with arginine, which is basic and polar, at codon 838 of the C2CD3 protein (p.Ser838Arg).